The following is an entry in ClinVar:

NM_014423.4(AFF4):c.1496C>T (p.Ser499Phe)

Gene: AFF4 (ALF transcription elongation factor 4; minus strand). Cytogenetic location: 5q31.1.
Variant type: single nucleotide variant.
Coding change: c.1496C>T on transcript NM_014423.4 (MANE Select); coding-DNA position 1496, C replaced by T.
Protein change: p.Ser499Phe; replaces serine 499 with phenylalanine.
Molecular consequence: missense variant.
Genome position (GRCh38, 1-based): chr5:132,897,134, G>A on the plus strand (C>T on the coding strand, the complement: AFF4 is on the minus strand). VCF-style: chr5-132897134-G-A. GRCh37 (hg19) VCF-style: chr5-132232826-G-A.
Other names: c.1496C>T (NM_014423.3); short protein forms S499F.
Identifiers: ClinVar variation 3715248 (VCV003715248.3).

ClinVar aggregate classification (germline): Uncertain significance. Review status: criteria provided, multiple submitters, no conflicts (2 of 4 stars). 2 submissions from 2 submitters: Uncertain significance (2). Last evaluated 2025-08-02.

Conditions:
Cognitive impairment - coarse facies - heart defects - obesity - pulmonary involvement - short stature - skeletal dysplasia syndrome. Also called: AFF4-Related CHOPS Syndrome; COGNITIVE IMPAIRMENT, COARSE FACIES, HEART DEFECTS, OBESITY, PULMONARY INVOLVEMENT, SHORT STATURE, AND SKELETAL DYSPLASIA; Chops syndrome. Identifiers: Orphanet 444077, MedGen C4085597, MONDO:0014609, OMIM 616368.
AFF4-related disorder. Also called: AFF4-related condition.

gnomAD v4.1: 7 of 1,614,054 alleles (0.00043%); highest among the groups gnomAD compares: Middle Eastern, 0.016%; no homozygotes.

Submissions (2):

PreventionGenetics, part of Exact Sciences
Classification: Uncertain significance for AFF4-related condition. Last evaluated: 2025-08-02. Review status: criteria provided, single submitter. Criteria: ACMG Guidelines, 2015. Collection method: clinical testing. Allele origin: germline.
Comment: The AFF4 c.1496C>T variant is predicted to result in the amino acid substitution p.Ser499Phe. To our knowledge, this variant has not been reported in the literature. This variant is reported in 0.00088% of alleles in individuals of European (Non-Finnish) descent in gnomAD. At this time, the clinical significance of this variant is uncertain due to the absence of conclusive functional and genetic evidence.

Labcorp Genetics (formerly Invitae), Labcorp
Classification: Uncertain significance for Cognitive impairment - coarse facies - heart defects - obesity - pulmonary involvement - short stature - skeletal dysplasia syndrome. Last evaluated: 2024-07-31. Review status: criteria provided, single submitter. Criteria: Invitae Variant Classification Sherloc (09022015). Collection method: clinical testing. Allele origin: germline.
Comment: This sequence change replaces serine, which is neutral and polar, with phenylalanine, which is neutral and non-polar, at codon 499 of the AFF4 protein (p.Ser499Phe). This variant is present in population databases (no rsID available, gnomAD 0.0009%). This variant has not been reported in the literature in individuals affected with AFF4-related conditions. Advanced modeling of protein sequence and biophysical properties (such as structural, functional, and spatial information, amino acid conservation, physicochemical variation, residue mobility, and thermodynamic stability) performed at Invitae indicates that this missense variant is expected to disrupt AFF4 protein function with a positive predictive value of 80%. In summary, the available evidence is currently insufficient to determine the role of this variant in disease. Therefore, it has been classified as a Variant of Uncertain Significance.